The following is an entry in ClinVar:

NM_032228.6(FAR1):c.769-6A>G

Gene: FAR1 (fatty acyl-CoA reductase 1; plus strand). Cytogenetic location: 11p15.3.
Variant type: single nucleotide variant.
Coding change: c.769-6A>G on transcript NM_032228.6 (MANE Select); 6 bases into the intron before coding-DNA position 769, A replaced by G.
Molecular consequence: intron variant.
Genome position (GRCh38, 1-based): chr11:13,711,922, A>G. VCF-style: chr11-13711922-A-G. GRCh37 (hg19) VCF-style: chr11-13733469-A-G.
Identifiers: ClinVar variation 2096549 (VCV002096549.4), dbSNP rs762226437, ClinGen allele CA673827772.

ClinVar aggregate classification (germline): Uncertain significance (1 of 4 stars; one submission).

Allele frequency attached by ClinVar (database versions not stated): TOPMed below 0.00001.
gnomAD v4.1: 2 of 1,611,834 alleles (0.00012%); highest among the groups gnomAD compares: Admixed American, 0.0017%; no homozygotes.

Submission:

Labcorp Genetics (formerly Invitae), Labcorp
Classification: Uncertain significance. Last evaluated: 2022-08-23. Review status: criteria provided, single submitter. Criteria: Invitae Variant Classification Sherloc (09022015). Collection method: clinical testing. Allele origin: germline.
Comment: This variant is not present in population databases (gnomAD no frequency). In summary, the available evidence is currently insufficient to determine the role of this variant in disease. Therefore, it has been classified as a Variant of Uncertain Significance. Algorithms developed to predict the effect of sequence changes on RNA splicing suggest that this variant may disrupt the consensus splice site. This variant has not been reported in the literature in individuals affected with FAR1-related conditions. This sequence change falls in intron 6 of the FAR1 gene. It does not directly change the encoded amino acid sequence of the FAR1 protein.